The following is an entry in ClinVar:

ClinVar aggregate classification (germline): Pathogenic (1 of 4 stars; one submission).

Allele frequency attached by ClinVar (database versions not stated): gnomAD exomes below 0.00001.

Submission:

Labcorp Genetics (formerly Invitae), Labcorp
Classification: Pathogenic. Last evaluated: 2022-04-20. Review status: criteria provided, single submitter. Criteria: Invitae Variant Classification Sherloc (09022015). Collection method: clinical testing. Allele origin: germline.
Comment: This variant is not present in population databases (gnomAD no frequency). This sequence change creates a premature translational stop signal (p.Arg216*) in the MECR gene. It is expected to result in an absent or disrupted protein product. Loss-of-function variants in MECR are known to be pathogenic (PMID: 27817865). This variant has not been reported in the literature in individuals affected with MECR-related conditions. For these reasons, this variant has been classified as Pathogenic.

Literature cited by the submitters: PubMed 27817865.

NM_016011.5(MECR):c.646C>T (p.Arg216Ter)

Gene: MECR (mitochondrial trans-2-enoyl-CoA reductase; minus strand). Cytogenetic location: 1p35.3.
Variant type: single nucleotide variant.
Coding change: c.646C>T on transcript NM_016011.5 (MANE Select); coding-DNA position 646, C replaced by T.
Protein change: p.Arg216Ter; replaces arginine 216 with a stop codon.
Molecular consequence: nonsense. On other transcripts: non-coding transcript variant (3).
Genome position (GRCh38, 1-based): chr1:29,203,138, G>A on the plus strand (C>T on the coding strand, the complement: MECR is on the minus strand). VCF-style: chr1-29203138-G-A. GRCh37 (hg19) VCF-style: chr1-29529650-G-A.
Other names: c.418C>T, p.Arg140Ter (NM_001024732.4, NM_001349711.2, NM_001349712.2 and 2 more transcripts); c.751C>T, p.Arg251Ter (NM_001349715.2); c.730C>T, p.Arg244Ter (NM_001349716.2); c.496C>T, p.Arg166Ter (NM_001349717.2); short protein forms R251*, R166*, R216*, R140*, R244*.
Identifiers: ClinVar variation 2090545 (VCV002090545.4), dbSNP rs1335145792, ClinGen allele CA339542495.
Genomic context (GRCh38, chr1:29,203,138, plus strand): 5'-AGGTGGGAAAGACCCAAGACATGGTCTGGGATGAAGCCTCCTTCCCCACGCACCTGTCTC[G>A]GACCACATTGATGGTTCTTAGGCCCAGGGCTGCGGCGATCTGGATGACTGCTTGCCCCAC-3'